The following is an entry in ClinVar:

ClinVar aggregate classification (germline): Pathogenic. Review status: criteria provided, multiple submitters, no conflicts (2 of 4 stars). 2 submissions from 2 submitters: Pathogenic (2). Last evaluated 2022-06-13.

Conditions:
Cardiovascular phenotype. Identifiers: MedGen CN230736.
Arrhythmogenic right ventricular dysplasia 9 (ARVD9). Also called: Arrhythmogenic Right Ventricular Dysplasia/Cardiomyopathy 9; ARRHYTHMOGENIC RIGHT VENTRICULAR DYSPLASIA, FAMILIAL, 9. Identifiers: MedGen C1836906, MONDO:0012180, OMIM 609040.

Submissions (2):

Labcorp Genetics (formerly Invitae), Labcorp
Classification: Pathogenic for Arrhythmogenic right ventricular dysplasia 9. Last evaluated: 2022-06-13. Review status: criteria provided, single submitter. Criteria: Invitae Variant Classification Sherloc (09022015). Collection method: clinical testing. Allele origin: germline.
Comment: This variant is not present in population databases (gnomAD no frequency). For these reasons, this variant has been classified as Pathogenic. ClinVar contains an entry for this variant (Variation ID: 860471). This variant has not been reported in the literature in individuals affected with PKP2-related conditions. This sequence change creates a premature translational stop signal (p.Glu335*) in the PKP2 gene. It is expected to result in an absent or disrupted protein product. Loss-of-function variants in PKP2 are known to be pathogenic (PMID: 15489853, 23911551).

Ambry Genetics
Classification: Pathogenic for Cardiovascular phenotype. Last evaluated: 2020-07-29. Review status: criteria provided, single submitter. Criteria: Ambry Variant Classification Scheme 2023. Collection method: clinical testing. Allele origin: germline.
Comment: The p.E335* variant (also known as c.1003G>T), located in coding exon 3 of the PKP2 gene, results from a G to T substitution at nucleotide position 1003. This changes the amino acid from a glutamic acid to a stop codon within coding exon 3. This alteration is expected to result in loss of function by premature protein truncation or nonsense-mediated mRNA decay. As such, this alteration is interpreted as a disease-causing mutation.

Literature cited by the submitters: PubMed 15489853 (cited by Labcorp Genetics (formerly Invitae), Labcorp); PubMed 23911551 (cited by Labcorp Genetics (formerly Invitae), Labcorp).

NM_001005242.3(PKP2):c.1003G>T (p.Glu335Ter)

Gene: PKP2 (plakophilin 2; minus strand). Cytogenetic location: 12p11.21.
Variant type: single nucleotide variant.
Coding change: c.1003G>T on transcript NM_001005242.3 (MANE Select); coding-DNA position 1003, G replaced by T.
Protein change: p.Glu335Ter; replaces glutamic acid 335 with a stop codon.
Molecular consequence: nonsense.
Genome position (GRCh38, 1-based): chr12:32,877,877, C>A on the plus strand (G>T on the coding strand, the complement: PKP2 is on the minus strand). VCF-style: chr12-32877877-C-A. GRCh37 (hg19) VCF-style: chr12-33030811-C-A.
Other names: c.1003G>T, p.Glu335Ter (NM_004572.4); short protein forms E335*.
Identifiers: ClinVar variation 860471 (VCV000860471.9), dbSNP rs1396519956, ClinGen allele CA384361712.